The following is an entry in ClinVar:

NM_016507.4(CDK12):c.2965A>G (p.Ile989Val)

Gene: CDK12 (cyclin dependent kinase 12; plus strand). Cytogenetic location: 17q12.
Variant type: single nucleotide variant.
Coding change: c.2965A>G on transcript NM_016507.4 (MANE Select); coding-DNA position 2965, A replaced by G.
Protein change: p.Ile989Val; replaces isoleucine 989 with valine.
Molecular consequence: missense variant.
Genome position (GRCh38, 1-based): chr17:39,519,957, A>G. VCF-style: chr17-39519957-A-G. GRCh37 (hg19) VCF-style: chr17-37676210-A-G.
Other names: c.2965A>G, p.Ile989Val (NM_015083.4); short protein forms I989V.
Identifiers: ClinVar variation 3830615 (VCV003830615.1).

ClinVar aggregate classification (germline): Uncertain significance (1 of 4 stars; one submission).

Submission:

Ambry Genetics
Classification: Uncertain significance. Last evaluated: 2025-02-06. Review status: criteria provided, single submitter. Criteria: Ambry Variant Classification Scheme 2023. Collection method: clinical testing. Allele origin: germline.
Comment: The p.I989V variant (also known as c.2965A>G), located in coding exon 11 of the CDK12 gene, results from an A to G substitution at nucleotide position 2965. The isoleucine at codon 989 is replaced by valine, an amino acid with highly similar properties. This amino acid position is conserved. In addition, this alteration is predicted to be tolerated by in silico analysis. Based on the available evidence, the clinical significance of this variant remains unclear.